The following is an entry in ClinVar:

ClinVar aggregate classification (germline): Uncertain significance. Review status: criteria provided, multiple submitters, no conflicts (2 of 4 stars). 2 submissions from 2 submitters: Uncertain significance (2). Last evaluated 2025-04-01.

Conditions:
Inborn genetic diseases. Identifiers: MedGen C0950123, MeSH D030342.
Eichsfeld type congenital muscular dystrophy (CMYO3). Also called: Rigid spine muscular dystrophy 1; MYOPATHY, SEPN1-RELATED; SELENON-related myopathy; Congenital myopathy 3 with rigid spine. Identifiers: MedGen C0410180, MONDO:0100100, OMIM 602771.

Allele frequency attached by ClinVar (database versions not stated): gnomAD exomes below 0.00001; TOPMed below 0.00001; ExAC 0.00001; gnomAD 0.00001.
gnomAD v4.1: 3 of 1,614,030 alleles (0.00019%); highest among the groups gnomAD compares: Non-Finnish European, 0.00025%; no homozygotes.

Submissions (2):

Ambry Genetics
Classification: Uncertain significance for Inborn genetic diseases. Last evaluated: 2025-04-01. Review status: criteria provided, single submitter. Criteria: Ambry Variant Classification Scheme 2023. Collection method: clinical testing. Allele origin: germline.

Labcorp Genetics (formerly Invitae), Labcorp
Classification: Uncertain significance for Eichsfeld type congenital muscular dystrophy. Last evaluated: 2022-05-07. Review status: criteria provided, single submitter. Criteria: Invitae Variant Classification Sherloc (09022015). Collection method: clinical testing. Allele origin: germline.
Comment: This sequence change replaces glycine, which is neutral and non-polar, with glutamic acid, which is acidic and polar, at codon 69 of the SELENON protein (p.Gly69Glu). This variant is present in population databases (rs746738124, gnomAD 0.0009%). This variant has not been reported in the literature in individuals affected with SELENON-related conditions. ClinVar contains an entry for this variant (Variation ID: 1061578). Algorithms developed to predict the effect of missense changes on protein structure and function are either unavailable or do not agree on the potential impact of this missense change (SIFT: "Deleterious"; PolyPhen-2: "Probably Damaging"; Align-GVGD: "Class C0"). In summary, the available evidence is currently insufficient to determine the role of this variant in disease. Therefore, it has been classified as a Variant of Uncertain Significance.

NM_206926.2(SELENON):c.206G>A (p.Gly69Glu)

Gene: SELENON (selenoprotein N; plus strand). Cytogenetic location: 1p36.11.
Variant type: single nucleotide variant.
Coding change: c.206G>A on transcript NM_206926.2 (MANE Select); coding-DNA position 206, G replaced by A.
Protein change: p.Gly69Glu; replaces glycine 69 with glutamic acid.
Molecular consequence: missense variant.
Genome position (GRCh38, 1-based): chr1:25,801,065, G>A. VCF-style: chr1-25801065-G-A. GRCh37 (hg19) VCF-style: chr1-26127556-G-A.
Other names: c.206G>A (NM_020451.2); c.206G>A, p.Gly69Glu (NM_020451.3); short protein forms G69E.
Identifiers: ClinVar variation 1061578 (VCV001061578.7), dbSNP rs746738124, ClinGen allele CA696448.
Genomic context (GRCh38, chr1:25,801,065, plus strand): 5'-GCCAAATGGTGCCCAGCCCAGTCTCTCCTCCCAAGCAGGAACTGGCGCTGAAGACCCTGG[G>A]GACAGATGGCCTTTTTCTCTTTTCCTCCTTGGACACTGACGGGGATATGTACATCAGCCC-3'
Protein context (NP_996809.1, residues 59-79): ARQELALKTL[Gly69Glu]TDGLFLFSSL